The following is an entry in ClinVar:

ClinVar aggregate classification (germline): Uncertain significance (0 of 4 stars; one submission).

Conditions:
GRIN2C-related disorder. Also called: GRIN2C-related condition.

Submission:

PreventionGenetics, part of Exact Sciences
Classification: Uncertain significance for GRIN2C-related condition. Last evaluated: 2024-01-22. Review status: no assertion criteria provided. Collection method: clinical testing. Allele origin: germline.
Comment: The GRIN2C c.3594_3595delCA variant is predicted to result in premature protein termination (p.Tyr1198*). To our knowledge, this variant has not been reported in the literature. This variant is reported in 0.051% of alleles in individuals of African descent in gnomAD. At this time, the clinical significance of this variant is uncertain due to the absence of conclusive functional and genetic evidence.

NM_000835.6(GRIN2C):c.3594_3595del (p.Tyr1198_Arg1199delinsTer)

Gene: GRIN2C (glutamate ionotropic receptor NMDA type subunit 2C; minus strand). Cytogenetic location: 17q25.1.
Variant type: Deletion.
Coding change: c.3594_3595del on transcript NM_000835.6 (MANE Select); coding-DNA positions 3594 to 3595, 2 bases deleted (CA; older notation c.3594_3595delCA).
Protein change: p.Tyr1198_Arg1199delinsTer.
Molecular consequence: nonsense. On other transcripts: non-coding transcript variant (1).
Genome position (GRCh38, 1-based): chr17:74,842,542-74,842,543, TG deleted on the plus strand (CA on the coding strand, the reverse complement: GRIN2C is on the minus strand); deleting any 2 consecutive bases within chr17:74,842,542-74,842,544 gives the same sequence; the c. name uses the placement nearest the transcript's 3' end. VCF-style (leftmost placement, unchanged base first): chr17-74842541-CTG-C. GRCh37 (hg19) VCF-style: chr17-72838680-CTG-C.
Identifiers: ClinVar variation 3046661 (VCV003046661.2), dbSNP rs779537035, ClinGen allele CA8751924.